The following is an entry in ClinVar:

ClinVar aggregate classification (germline): Uncertain significance (1 of 4 stars; one submission).

Conditions:
Hereditary cancer-predisposing syndrome. Also called: Hereditary Cancer Syndrome; Hereditary neoplastic syndrome; Neoplastic Syndromes, Hereditary; Tumor predisposition. Identifiers: Orphanet 140162, MedGen C0027672, MeSH D009386, MONDO:0015356.

Submission:

Ambry Genetics
Classification: Uncertain significance for Hereditary cancer-predisposing syndrome. Last evaluated: 2023-12-28. Review status: criteria provided, single submitter. Criteria: Ambry Variant Classification Scheme 2023. Collection method: clinical testing. Allele origin: germline.
Comment: The c.451dupA variant, located in coding exon 1 of the CDKN1B gene, results from a duplication of A at nucleotide position 451, causing a translational frameshift with a predicted alternate stop codon (p.I151Nfs*54). This alteration occurs at the 3' terminus of theCDKN1B gene, is not expected to trigger nonsense-mediated mRNAdecay, results in the elongation of the protein by 5 amino acids. This frameshift impacts the last 48amino acids of the native protein. The exact functional effect of the altered amino acids is unknown. Since supporting evidence is limited at this time, the clinical significance of this alteration remains unclear.

NM_004064.5(CDKN1B):c.451dup (p.Ile151fs)

Gene: CDKN1B (cyclin dependent kinase inhibitor 1B; plus strand). Cytogenetic location: 12p13.1.
Variant type: Duplication.
Coding change: c.451dup on transcript NM_004064.5 (MANE Select); coding-DNA position 451, one base duplicated (A; older notation c.451dupA).
Protein change: p.Ile151fs; shifts the reading frame from isoleucine 151.
Molecular consequence: frameshift variant.
Genome position (GRCh38, 1-based): chr12:12,718,290, A duplicated; the last of 2 consecutive A bases (chr12:12,718,289-12,718,290); duplicating either gives the same sequence. VCF-style (leftmost placement, unchanged base first): chr12-12718288-G-GA. GRCh37 (hg19) VCF-style: chr12-12871222-G-GA.
Other names: short protein forms I151fs.
Identifiers: ClinVar variation 1741197 (VCV001741197.2), dbSNP rs2497405851, ClinGen allele CA2580085212.